The following is an entry in ClinVar:

NM_001277115.2(DNAH11):c.4371T>A (p.Thr1457=)

Gene: DNAH11 (dynein axonemal heavy chain 11; plus strand). Cytogenetic location: 7p15.3.
Variant type: single nucleotide variant.
Coding change: c.4371T>A on transcript NM_001277115.2 (MANE Select); coding-DNA position 4371, T replaced by A.
Protein change: p.Thr1457=; no amino-acid change (threonine 1457 retained).
Molecular consequence: synonymous variant.
Genome position (GRCh38, 1-based): chr7:21,619,216, T>A. VCF-style: chr7-21619216-T-A. GRCh37 (hg19) VCF-style: chr7-21658834-T-A.
Other names: c.4386T>A, p.Thr1462= (NM_003777.3).
Identifiers: ClinVar variation 2657343 (VCV002657343.24), dbSNP rs1386066747, ClinGen allele CA453964539.

ClinVar aggregate classification (germline): Likely benign (1 of 4 stars; one submission).

Allele frequency attached by ClinVar (database versions not stated): TOPMed below 0.00001; gnomAD 0.00001.
gnomAD v4.1: 1 of 1,612,756 alleles (0.000062%); highest among the groups gnomAD compares: East Asian, 0.0022%; no homozygotes.

Submission:

CeGaT Center for Human Genetics Tuebingen
Classification: Likely benign. Last evaluated: 2022-12-01. Review status: criteria provided, single submitter. Criteria: CeGaT Center For Human Genetics Tuebingen Variant Classification Criteria Version 2. Collection method: clinical testing. Allele origin: germline. Affected: yes. Observed: 1 variant allele.
Comment: DNAH11: BP4, BP7